The following is an entry in ClinVar:

NM_002354.3(EPCAM):c.257G>A (p.Gly86Glu)

Gene: EPCAM (epithelial cell adhesion molecule; plus strand). Cytogenetic location: 2p21.
Variant type: single nucleotide variant.
Coding change: c.257G>A on transcript NM_002354.3 (MANE Select); coding-DNA position 257, G replaced by A.
Protein change: p.Gly86Glu; replaces glycine 86 with glutamic acid.
Molecular consequence: missense variant.
Genome position (GRCh38, 1-based): chr2:47,373,880, G>A. VCF-style: chr2-47373880-G-A. GRCh37 (hg19) VCF-style: chr2-47601019-G-A.
Other names: short protein forms G86E.
Identifiers: ClinVar variation 1793356 (VCV001793356.2), dbSNP rs1671350617, ClinGen allele CA346722957.

ClinVar aggregate classification (germline): Uncertain significance (1 of 4 stars; one submission).

Conditions:
Hereditary cancer-predisposing syndrome. Also called: Tumor predisposition; Hereditary Cancer Syndrome; Neoplastic Syndromes, Hereditary; Hereditary neoplastic syndrome. Identifiers: Orphanet 140162, MedGen C0027672, MeSH D009386, MONDO:0015356.

Submission:

Ambry Genetics
Classification: Uncertain significance for Hereditary cancer-predisposing syndrome. Last evaluated: 2022-03-16. Review status: criteria provided, single submitter. Criteria: Ambry Variant Classification Scheme 2023. Collection method: clinical testing. Allele origin: germline.
Comment: The p.G86E variant (also known as c.257G>A), located in coding exon 3 of the EPCAM gene, results from a G to A substitution at nucleotide position 257. The glycine at codon 86 is replaced by glutamic acid, an amino acid with similar properties. This amino acid position is conserved. In addition, this alteration is predicted to be tolerated by in silico analysis. Since supporting evidence is limited at this time, the clinical significance of this alteration remains unclear.